The following is an entry in ClinVar:

NC_000001.10:g.(?_76198435)_(76205598_?)del

Gene: ACADM (acyl-CoA dehydrogenase medium chain; plus strand). Cytogenetic location: 1p31.1.
Variant type: Deletion.
Identifiers: ClinVar variation 2422133 (VCV002422133.2).

ClinVar aggregate classification (germline): Pathogenic (1 of 4 stars; one submission).

Conditions:
Medium-chain acyl-coenzyme A dehydrogenase deficiency (ACADMD). Also called: MCADD; MCADH DEFICIENCY; Medium chain acyl-CoA dehydrogenase deficiency; ACADM DEFICIENCY; CARNITINE DEFICIENCY SECONDARY TO MEDIUM-CHAIN ACYL-CoA DEHYDROGENASE DEFICIENCY; MCAD Deficiency. Identifiers: Orphanet 42, MedGen C0220710, MONDO:0008721, OMIM 201450.

Submission:

Labcorp Genetics (formerly Invitae), Labcorp
Classification: Pathogenic for Medium-chain acyl-coenzyme A dehydrogenase deficiency. Last evaluated: 2022-08-21. Review status: criteria provided, single submitter. Criteria: Invitae Variant Classification Sherloc (09022015). Collection method: clinical testing. Allele origin: germline.
Comment: This variant is a gross deletion of the genomic region encompassing exon(s) 4-6 of the ACADM gene. This variant would be expected to be in-frame, preserving the integrity of the reading frame. This variant has not been reported in the literature in individuals affected with ACADM-related conditions. This variant disrupts a region of the ACADM protein in which other variant(s) (p.Pro74Leu) have been determined to be pathogenic (Invitae). This suggests that this is a clinically significant region of the protein, and that variants that disrupt it are likely to be disease-causing. For these reasons, this variant has been classified as Pathogenic.